The following is an entry in ClinVar:

NM_001370595.2(COA8):c.123+10G>C

Gene: COA8 (cytochrome c oxidase assembly factor 8; plus strand). Cytogenetic location: 14q32.33.
Variant type: single nucleotide variant.
Coding change: c.123+10G>C on transcript NM_001370595.2 (MANE Select); 10 bases into the intron after coding-DNA position 123, G replaced by C.
Molecular consequence: intron variant.
Genome position (GRCh38, 1-based): chr14:103,563,134, G>C. VCF-style: chr14-103563134-G-C. GRCh37 (hg19) VCF-style: chr14-104029471-G-C.
Other names: NM_001302652.2:c.123+10G>C; c.162+10G>C (NM_032374.4); c.123+10G>C (NM_001302653.2, NM_001302654.2).
Identifiers: ClinVar variation 1681860 (VCV001681860.12), dbSNP rs751821020, ClinGen allele CA7365431.

ClinVar aggregate classification (germline): Likely benign. Review status: criteria provided, multiple submitters, no conflicts (2 of 4 stars). 4 submissions from 4 submitters: Likely benign (3). 1 of the submissions does not count toward it. Last evaluated 2026-01-08.

Conditions:
COA8-related disorder. Also called: COA8-related condition.
Mitochondrial complex IV deficiency, nuclear type 17. Also called: Mitochondrial complex 4 deficiency, nuclear type 17. Identifiers: MedGen C5436718, MONDO:0033652, OMIM 619061.

gnomAD v4.1: 415 of 1,541,424 alleles (0.027%); highest among the groups gnomAD compares: East Asian, 0.19%; 2 homozygotes.

Submissions (4):

Labcorp Genetics (formerly Invitae), Labcorp
Classification: Likely benign. Last evaluated: 2026-01-08. Review status: criteria provided, single submitter. Criteria: Invitae Variant Classification Sherloc (09022015). Collection method: clinical testing. Allele origin: germline.

Blueprint Genetics
Classification: Likely benign. Last evaluated: 2024-11-07. Review status: criteria provided, single submitter. Criteria: ACMG Guidelines, 2015. Collection method: clinical testing. Allele origin: germline.

Fulgent Genetics
Classification: Likely benign for Mitochondrial complex IV deficiency, nuclear type 17. Last evaluated: 2021-10-30. Review status: criteria provided, single submitter. Criteria: ACMG Guidelines, 2015. Collection method: clinical testing. Allele origin: unknown.

PreventionGenetics, part of Exact Sciences
Classification: Likely benign for COA8-related condition. Last evaluated: 2019-12-04. Review status: no assertion criteria provided. Collection method: clinical testing. Allele origin: germline. Not counted in ClinVar's aggregate classification.
Comment: This variant is classified as likely benign based on ACMG/AMP sequence variant interpretation guidelines (Richards et al. 2015 PMID: 25741868, with internal and published modifications).